The following is an entry in ClinVar:

ClinVar aggregate classification (germline): Pathogenic (1 of 4 stars; one submission).

Conditions:
Aortic aneurysm, familial thoracic 7 (AAT7). Also called: AORTIC DISSECTION, FAMILIAL, WITH OR WITHOUT AORTIC ANEURYSM. Identifiers: MedGen C3151077, MONDO:0013418, OMIM 613780.

Submission:

Labcorp Genetics (formerly Invitae), Labcorp
Classification: Pathogenic for Aortic aneurysm, familial thoracic 7. Last evaluated: 2026-01-19. Review status: criteria provided, single submitter. Criteria: Invitae Variant Classification Sherloc (09022015). Collection method: clinical testing. Allele origin: germline.
Comment: This sequence change creates a premature translational stop signal (p.Val1121Cysfs*13) in the MYLK gene. It is expected to result in an absent or disrupted protein product. Loss-of-function variants in MYLK are known to be pathogenic (PMID: 21055718, 28602422). This variant is not present in population databases (gnomAD no frequency). This variant has not been reported in the literature in individuals affected with MYLK-related conditions. For these reasons, this variant has been classified as Pathogenic.

Literature cited by the submitters: PubMed 21055718; PubMed 28602422.

NM_053025.4(MYLK):c.3361del (p.Val1121fs)

Gene: MYLK (myosin light chain kinase; minus strand). Cytogenetic location: 3q21.1.
Variant type: Deletion.
Coding change: c.3361del on transcript NM_053025.4 (MANE Select); coding-DNA position 3361, one base deleted (G; older notation c.3361delG).
Protein change: p.Val1121fs; shifts the reading frame from valine 1121.
Molecular consequence: frameshift variant.
Genome position (GRCh38, 1-based): chr3:123,700,107, C deleted on the plus strand (G on the coding strand, the reverse complement: MYLK is on the minus strand); the first of 2 consecutive C bases (chr3:123,700,107-123,700,108); deleting either gives the same sequence. VCF-style (leftmost placement, unchanged base first): chr3-123700106-AC-A. GRCh37 (hg19) VCF-style: chr3-123418953-AC-A.
Other names: c.2833del, p.Val945fs (NM_001321309.2); c.3154del, p.Val1052fs (NM_053026.4, NM_053028.4); c.3361del, p.Val1121fs (NM_053027.4); short protein forms V1052fs, V1121fs, V945fs.
Identifiers: ClinVar variation 4735741 (VCV004735741.1).